The following is an entry in ClinVar:

NM_005045.4(RELN):c.545-3C>T

Gene: RELN (reelin; minus strand). Cytogenetic location: 7q22.1.
Variant type: single nucleotide variant.
Coding change: c.545-3C>T on transcript NM_005045.4 (MANE Select); 3 bases into the intron before coding-DNA position 545, C replaced by T.
Molecular consequence: intron variant.
Genome position (GRCh38, 1-based): chr7:103,753,217, G>A on the plus strand (C>T on the coding strand, the complement: RELN is on the minus strand). VCF-style: chr7-103753217-G-A. GRCh37 (hg19) VCF-style: chr7-103393664-G-A.
Other names: c.545-3C>T (NM_173054.3).
Identifiers: ClinVar variation 2228635 (VCV002228635.2), dbSNP rs1175381014, ClinGen allele CA577083326.

ClinVar aggregate classification (germline): Uncertain significance (1 of 4 stars; one submission).

Conditions:
Inborn genetic diseases. Identifiers: MedGen C0950123, MeSH D030342.

Submission:

Ambry Genetics
Classification: Uncertain significance for Inborn genetic diseases. Last evaluated: 2021-02-19. Review status: criteria provided, single submitter. Criteria: Ambry Variant Classification Scheme 2023. Collection method: clinical testing. Allele origin: germline.
Comment: The c.545-3C>T intronic alteration consists of a C to T substitution 3 nucleotides before coding exon 5 in the RELN gene. Based on insufficient or conflicting evidence, the clinical significance of this alteration remains unclear.